The following is an entry in ClinVar:

ClinVar aggregate classification (germline): Uncertain significance (1 of 4 stars; one submission).

Conditions:
POLD1-related polyposis and colorectal cancer syndrome (CRCS10). Also called: Colorectal cancer 10; Colorectal cancer, susceptibility to, 10; COLORECTAL CANCER, SUSCEPTIBILITY TO, ON CHROMOSOME 19q. Identifiers: Orphanet 220460, MedGen C2675481, MONDO:0012953, OMIM 612591.

Submission:

Labcorp Genetics (formerly Invitae), Labcorp
Classification: Uncertain significance for POLD1-related polyposis and colorectal cancer syndrome. Last evaluated: 2022-11-15. Review status: criteria provided, single submitter. Criteria: Invitae Variant Classification Sherloc (09022015). Collection method: clinical testing. Allele origin: germline.
Comment: In summary, the available evidence is currently insufficient to determine the role of this variant in disease. Therefore, it has been classified as a Variant of Uncertain Significance. Advanced modeling of protein sequence and biophysical properties (such as structural, functional, and spatial information, amino acid conservation, physicochemical variation, residue mobility, and thermodynamic stability) performed at Invitae indicates that this missense variant is expected to disrupt POLD1 protein function. This variant has not been reported in the literature in individuals affected with POLD1-related conditions. This variant is not present in population databases (gnomAD no frequency). This sequence change replaces arginine, which is basic and polar, with histidine, which is basic and polar, at codon 921 of the POLD1 protein (p.Arg921His).

NM_002691.4(POLD1):c.2762G>A (p.Arg921His)

Gene: POLD1 (DNA polymerase delta 1, catalytic subunit; plus strand). Cytogenetic location: 19q13.33.
Variant type: single nucleotide variant.
Coding change: c.2762G>A on transcript NM_002691.4 (MANE Select); coding-DNA position 2762, G replaced by A.
Protein change: p.Arg921His; replaces arginine 921 with histidine.
Molecular consequence: missense variant.
Genome position (GRCh38, 1-based): chr19:50,415,768, G>A. VCF-style: chr19-50415768-G-A. GRCh37 (hg19) VCF-style: chr19-50919025-G-A.
Other names: c.2762G>A, p.Arg921His (NM_001256849.1); c.2840G>A, p.Arg947His (NM_001308632.1); short protein forms R947H, R921H.
Identifiers: ClinVar variation 2809666 (VCV002809666.3), dbSNP rs2122481210, ClinGen allele CA406985946.
Genomic context (GRCh38, chr19:50,415,768, plus strand): 5'-CCCCATCTCCACGCAGGATGAGGAAGCGGGACCCCGGGAGTGCGCCCAGCCTGGGCGACC[G>A]CGTCCCCTACGTGATCATCAGTGCCGCCAAGGGTGTGGCCGCCTACATGAAGTCGGAGGT-3'
Protein context (NP_002682.2, residues 911-931): DPGSAPSLGD[Arg921His]VPYVIISAAK